The following is an entry in ClinVar:

NM_172351.3(CD46):c.458A>G (p.Lys153Arg)

Gene: CD46 (CD46 molecule; plus strand). Cytogenetic location: 1q32.2.
Variant type: single nucleotide variant.
Coding change: c.458A>G on transcript NM_172351.3 (MANE Select); coding-DNA position 458, A replaced by G.
Protein change: p.Lys153Arg; replaces lysine 153 with arginine.
Molecular consequence: missense variant.
Genome position (GRCh38, 1-based): chr1:207,759,707, A>G. VCF-style: chr1-207759707-A-G. GRCh37 (hg19) VCF-style: chr1-207933052-A-G.
Other names: c.458A>G, p.Lys153Arg (NM_172350.3, NM_172352.3, NM_172353.3 and 8 more transcripts); short protein forms K153R.
Identifiers: ClinVar variation 3666656 (VCV003666656.2).

ClinVar aggregate classification (germline): Uncertain significance (1 of 4 stars; one submission).

Submission:

Labcorp Genetics (formerly Invitae), Labcorp
Classification: Uncertain significance. Last evaluated: 2024-11-18. Review status: criteria provided, single submitter. Criteria: Invitae Variant Classification Sherloc (09022015). Collection method: clinical testing. Allele origin: germline.
Comment: This sequence change replaces lysine, which is basic and polar, with arginine, which is basic and polar, at codon 153 of the CD46 protein (p.Lys153Arg). This variant is not present in population databases (gnomAD no frequency). This variant has not been reported in the literature in individuals affected with CD46-related conditions. Invitae Evidence Modeling of protein sequence and biophysical properties (such as structural, functional, and spatial information, amino acid conservation, physicochemical variation, residue mobility, and thermodynamic stability) indicates that this missense variant is not expected to disrupt CD46 protein function with a negative predictive value of 80%. In summary, the available evidence is currently insufficient to determine the role of this variant in disease. Therefore, it has been classified as a Variant of Uncertain Significance.